The following is an entry in ClinVar:

ClinVar aggregate classification (germline): Uncertain significance (1 of 4 stars; one submission).

Conditions:
Inborn genetic diseases. Identifiers: MedGen C0950123, MeSH D030342.

Submission:

Ambry Genetics
Classification: Uncertain significance for Inborn genetic diseases. Last evaluated: 2024-01-30. Review status: criteria provided, single submitter. Criteria: Ambry Variant Classification Scheme 2023. Collection method: clinical testing. Allele origin: germline.
Comment: The c.1251_1253delTGT (p.V418del) alteration is located in coding exon 6 of the FGD1 gene. This alteration consists of an in-frame deletion of 3 nucleotides between nucleotide positions c.1251 and c.1253. This results in the deletion of a valine residue at codon 418. This variant was not reported in population-based cohorts in the Genome Aggregation Database (gnomAD). This amino acid position is highly conserved in available vertebrate species. This alteration is predicted to be deleterious by in silico analysis (Choi, 2012). Based on insufficient or conflicting evidence, the clinical significance of this alteration remains unclear.

NM_004463.3(FGD1):c.1251_1253del (p.Val418del)

Gene: FGD1 (FYVE, RhoGEF and PH domain containing 1; minus strand). Cytogenetic location: Xp11.22.
Variant type: Deletion.
Coding change: c.1251_1253del on transcript NM_004463.3 (MANE Select); coding-DNA positions 1251 to 1253, 3 bases deleted (TGT; older notation c.1251_1253delTGT).
Protein change: p.Val418del; deletes valine 418.
Molecular consequence: inframe deletion.
Genome position (GRCh38, 1-based): chrX:54,467,871-54,467,873, ACA deleted on the plus strand (TGT on the coding strand, the reverse complement: FGD1 is on the minus strand); deleting any 3 consecutive bases within chrX:54,467,871-54,467,875 gives the same sequence; the c. name uses the placement nearest the transcript's 3' end. VCF-style (leftmost placement, unchanged base first): chrX-54467870-GACA-G. GRCh37 (hg19) VCF-style: chrX-54494303-GACA-G.
Other names: short protein forms V418del.
Identifiers: ClinVar variation 3094597 (VCV003094597.1), dbSNP rs2522712054, ClinGen allele CA2825002953.
Genomic context (GRCh38, chrX:54,467,870, plus strand): 5'-AGGCAGCAGGAACTGCTGGTGGAAGCAATAGATGGAGCAGATGTTAGAGAAGATGCCGTG[GACA>G]ACGTCGGCCGGGAAGGAACTGCGGTTCCGAGCTTCTTCCAGCAGCCGGGCACAGAACACC-3'